The following is an entry in ClinVar:

ClinVar aggregate classification (germline): Uncertain significance (1 of 4 stars; one submission).

Conditions:
Hereditary cancer-predisposing syndrome. Also called: Neoplastic Syndromes, Hereditary; Tumor predisposition; Hereditary Cancer Syndrome; Hereditary neoplastic syndrome. Identifiers: Orphanet 140162, MedGen C0027672, MeSH D009386, MONDO:0015356.

Submission:

Ambry Genetics
Classification: Uncertain significance for Hereditary cancer-predisposing syndrome. Last evaluated: 2026-01-26. Review status: criteria provided, single submitter. Criteria: Ambry Variant Classification Scheme 2023. Collection method: clinical testing. Allele origin: germline.
Comment: The c.705+5G>C intronic variant results from a G to C substitution 5 nucleotides after coding exon 4 in the RAD51C gene. RNA studies have demonstrated that this variant results in a splice defect; the clinical impact of this abnormal splicing is unknown at this time (Sanoguera-Miralles L et al. Cancers (Basel), 2020 Dec;12). This nucleotide position is well conserved in available vertebrate species. In silico splice site analysis predicts that this alteration will not have any significant effect on splicing; however, direct evidence is insufficient at this time (Ambry internal data). Based on the available evidence, the clinical significance of this variant remains unclear.

Literature cited by the submitters: PubMed 33333735.

NM_058216.3(RAD51C):c.705+5G>C

Genes: RAD51C (RAD51 paralog C; plus strand), LOC129390903 (MPRA-validated peak2919 silencer; plus strand). Cytogenetic location: 17q22.
Variant type: single nucleotide variant.
Coding change: c.705+5G>C on transcript NM_058216.3 (MANE Select); 5 bases into the intron after coding-DNA position 705, G replaced by C.
Molecular consequence: intron variant.
Genome position (GRCh38, 1-based): chr17:58,703,334, G>C. VCF-style: chr17-58703334-G-C. GRCh37 (hg19) VCF-style: chr17-56780695-G-C.
Identifiers: ClinVar variation 4844187 (VCV004844187.1).